The following is an entry in ClinVar:

ClinVar aggregate classification (germline): Uncertain significance. Review status: criteria provided, single submitter (1 of 4 stars). 2 submissions from 2 submitters: Uncertain significance (1). 1 of the submissions does not count toward it. Last evaluated 2026-01-06.

Conditions:
Duchenne muscular dystrophy (DMD). Also called: Duchenne Muscular Dystrophy (DMD); MUSCULAR DYSTROPHY, PSEUDOHYPERTROPHIC PROGRESSIVE, DUCHENNE TYPE. Identifiers: Orphanet 98896, MedGen C0013264, MONDO:0010679, OMIM 310200.
Cardiomyopathy (CMYO). Also called: Cardiomyopathies. Identifiers: Orphanet 167848, MedGen C0878544, MONDO:0004994, HP:0001638. Inheritance: Various modes of inheritance.
Dystrophin deficiency.
Becker muscular dystrophy (BMD). Also called: MUSCULAR DYSTROPHY, PSEUDOHYPERTROPHIC PROGRESSIVE, BECKER TYPE; Becker Muscular Dystrophy (BMD). Identifiers: Orphanet 98895, MedGen C0917713, MONDO:0010311, OMIM 300376.

Allele frequency attached by ClinVar (database versions not stated): TOPMed below 0.00001; gnomAD exomes 0.00001.
gnomAD v4.1: 24 of 1,210,442 alleles (0.002%); highest among the groups gnomAD compares: Non-Finnish European, 0.0027%; no homozygotes.

Submissions (2):

Labcorp Genetics (formerly Invitae), Labcorp
Classification: Uncertain significance for Duchenne muscular dystrophy. Last evaluated: 2026-01-06. Review status: criteria provided, single submitter. Criteria: Invitae Variant Classification Sherloc (09022015). Collection method: clinical testing. Allele origin: germline.
Comment: This sequence change replaces threonine, which is neutral and polar, with asparagine, which is neutral and polar, at codon 2165 of the DMD protein (p.Thr2165Asn). This variant is present in population databases (rs768712703, gnomAD 0.001%). This variant has not been reported in the literature in individuals affected with DMD-related conditions. ClinVar contains an entry for this variant (Variation ID: 943890). Invitae Evidence Modeling of protein sequence and biophysical properties (such as structural, functional, and spatial information, amino acid conservation, physicochemical variation, residue mobility, and thermodynamic stability) indicates that this missense variant is not expected to disrupt DMD protein function with a negative predictive value of 95%. In summary, the available evidence is currently insufficient to determine the role of this variant in disease. Therefore, it has been classified as a Variant of Uncertain Significance.

Natera, Inc.
Classification: Uncertain significance for Becker muscular dystrophy; Cardiomyopathy; Duchenne muscular dystrophy; Dystrophin deficiency. Last evaluated: 2020-01-24. Review status: no assertion criteria provided. Collection method: clinical testing. Allele origin: germline. Not counted in ClinVar's aggregate classification.

NM_004006.3(DMD):c.6494C>A (p.Thr2165Asn)

Gene: DMD (dystrophin; minus strand). Cytogenetic location: Xp21.1.
Variant type: single nucleotide variant.
Coding change: c.6494C>A on transcript NM_004006.3 (MANE Select); coding-DNA position 6494, C replaced by A.
Protein change: p.Thr2165Asn; replaces threonine 2165 with asparagine.
Molecular consequence: missense variant. On other transcripts: 5 prime UTR variant (5).
Genome position (GRCh38, 1-based): chrX:31,968,459, G>T on the plus strand (C>A on the coding strand, the complement: DMD is on the minus strand). VCF-style: chrX-31968459-G-T. GRCh37 (hg19) VCF-style: chrX-31986576-G-T.
Other names: c.6470C>A, p.Thr2157Asn (NM_000109.4); c.6482C>A, p.Thr2161Asn (NM_004009.3); c.6125C>A, p.Thr2042Asn (NM_004010.3); c.2471C>A, p.Thr824Asn (NM_004011.4); c.2462C>A, p.Thr821Asn (NM_004012.4); c.-887C>A (NM_004013.3, NM_004020.4, NM_004021.3 and 2 more transcripts); short protein forms T2042N, T2165N, T824N, T821N, T2157N, T2161N.
Identifiers: ClinVar variation 943890 (VCV000943890.9), dbSNP rs768712703, ClinGen allele CA328490654.